The following is an entry in ClinVar:

ClinVar aggregate classification (germline): Uncertain significance. Review status: criteria provided, multiple submitters, no conflicts (2 of 4 stars). 2 submissions from 2 submitters: Uncertain significance (2). Last evaluated 2024-01-16.

Conditions:
CNTN3-related disorder. Also called: CNTN3-related condition.

Allele frequency attached by ClinVar (database versions not stated): gnomAD exomes below 0.00001; gnomAD 0.00002; TOPMed 0.00005.
gnomAD v4.1: 5 of 1,613,338 alleles (0.00031%); highest among the groups gnomAD compares: Admixed American, 0.0033%; no homozygotes.

Submissions (2):

Ambry Genetics
Classification: Uncertain significance. Last evaluated: 2024-01-16. Review status: criteria provided, single submitter. Criteria: Ambry Variant Classification Scheme 2023. Collection method: clinical testing. Allele origin: germline.

PreventionGenetics, part of Exact Sciences
Classification: Uncertain significance for CNTN3-related condition. Last evaluated: 2023-06-23. Review status: criteria provided, single submitter. Criteria: ACMG Guidelines, 2015. Collection method: clinical testing. Allele origin: germline.
Comment: The CNTN3 c.502G>A variant is predicted to result in the amino acid substitution p.Glu168Lys. To our knowledge, this variant has not been reported in the literature or in a large population database, indicating this variant is rare. At this time, the clinical significance of this variant is uncertain due to the absence of conclusive functional and genetic evidence.

NM_020872.3(CNTN3):c.502G>A (p.Glu168Lys)

Gene: CNTN3 (contactin 3; minus strand). Cytogenetic location: 3p12.3.
Variant type: single nucleotide variant.
Coding change: c.502G>A on transcript NM_020872.3 (MANE Select); coding-DNA position 502, G replaced by A.
Protein change: p.Glu168Lys; replaces glutamic acid 168 with lysine.
Molecular consequence: missense variant.
Genome position (GRCh38, 1-based): chr3:74,371,352, C>T on the plus strand (G>A on the coding strand, the complement: CNTN3 is on the minus strand). VCF-style: chr3-74371352-C-T. GRCh37 (hg19) VCF-style: chr3-74420503-C-T.
Other names: c.502G>A, p.Glu168Lys (NM_001393376.1); c.502G>A (NM_020872.1); short protein forms E168K.
Identifiers: ClinVar variation 2628906 (VCV002628906.2), dbSNP rs1704334074, ClinGen allele CA353518488.